The following is an entry in ClinVar:

NM_001111.5(ADAR):c.2115G>C (p.Leu705Phe)

Gene: ADAR (adenosine deaminase RNA specific; minus strand). Cytogenetic location: 1q21.3.
Variant type: single nucleotide variant.
Coding change: c.2115G>C on transcript NM_001111.5 (MANE Select); coding-DNA position 2115, G replaced by C.
Protein change: p.Leu705Phe; replaces leucine 705 with phenylalanine.
Molecular consequence: missense variant. On other transcripts: intron variant (1).
Genome position (GRCh38, 1-based): chr1:154,596,960, C>G on the plus strand (G>C on the coding strand, the complement: ADAR is on the minus strand). VCF-style: chr1-154596960-C-G. GRCh37 (hg19) VCF-style: chr1-154569436-C-G.
Other names: c.1230G>C, p.Leu410Phe (NM_001025107.3, NM_001193495.2, NM_001365046.1 and 3 more transcripts); c.2142G>C, p.Leu714Phe (NM_001365045.1); c.2115G>C, p.Leu705Phe (NM_015840.4); c.2080-22G>C (NM_015841.4); short protein forms L705F, L714F, L410F.
Identifiers: ClinVar variation 2201602 (VCV002201602.4), dbSNP rs1478278923, ClinGen allele CA342637984.

ClinVar aggregate classification (germline): Uncertain significance (1 of 4 stars; one submission).

Conditions:
Symmetrical dyschromatosis of extremities (DSH). Also called: RETICULATE ACROPIGMENTATION OF DOHI; SYMMETRIC DYSCHROMATOSIS OF THE EXTREMITIES; Dyschromatosis symmetrica hereditaria; DYSCHROMATOSIS SYMMETRICA HEREDITARIA 1. Identifiers: Orphanet 41, MedGen C0406775, MONDO:0007483, OMIM 127400.
Aicardi-Goutieres syndrome 6 (AGS6). Identifiers: Orphanet 51, MedGen C3539013, MONDO:0014007, OMIM 615010.

Allele frequency attached by ClinVar (database versions not stated): TOPMed below 0.00001.

Submission:

Labcorp Genetics (formerly Invitae), Labcorp
Classification: Uncertain significance for Aicardi-Goutieres syndrome 6; Symmetrical dyschromatosis of extremities. Last evaluated: 2025-05-02. Review status: criteria provided, single submitter. Criteria: Invitae Variant Classification Sherloc (09022015). Collection method: clinical testing. Allele origin: germline.
Comment: This sequence change replaces leucine, which is neutral and non-polar, with phenylalanine, which is neutral and non-polar, at codon 705 of the ADAR protein (p.Leu705Phe). This variant is not present in population databases (gnomAD no frequency). This variant has not been reported in the literature in individuals affected with ADAR-related conditions. ClinVar contains an entry for this variant (Variation ID: 2201602). Invitae Evidence Modeling of protein sequence and biophysical properties (such as structural, functional, and spatial information, amino acid conservation, physicochemical variation, residue mobility, and thermodynamic stability) indicates that this missense variant is not expected to disrupt ADAR protein function with a negative predictive value of 80%. In summary, the available evidence is currently insufficient to determine the role of this variant in disease. Therefore, it has been classified as a Variant of Uncertain Significance.